The following is an entry in ClinVar:

ClinVar aggregate classification (germline): Uncertain significance (1 of 4 stars; one submission).

Conditions:
Myopathy, centronuclear, 2 (CNM2). Also called: MYOTUBULAR MYOPATHY, AUTOSOMAL RECESSIVE. Identifiers: Orphanet 169186, MedGen CN031787, MONDO:0009709, OMIM 255200.

gnomAD v4.1: 1 of 1,614,082 alleles (0.000062%); highest among the groups gnomAD compares: Non-Finnish European, 0.000085%; no homozygotes.

Submission:

Labcorp Genetics (formerly Invitae), Labcorp
Classification: Uncertain significance for Myopathy, centronuclear, 2. Last evaluated: 2024-06-20. Review status: criteria provided, single submitter. Criteria: Invitae Variant Classification Sherloc (09022015). Collection method: clinical testing. Allele origin: germline.
Comment: This sequence change replaces glutamic acid, which is acidic and polar, with lysine, which is basic and polar, at codon 105 of the BIN1 protein (p.Glu105Lys). This variant is not present in population databases (gnomAD no frequency). This variant has not been reported in the literature in individuals affected with BIN1-related conditions. ClinVar contains an entry for this variant (Variation ID: 944655). An algorithm developed to predict the effect of missense changes on protein structure and function (PolyPhen-2) suggests that this variant is likely to be disruptive. In summary, the available evidence is currently insufficient to determine the role of this variant in disease. Therefore, it has been classified as a Variant of Uncertain Significance.

NM_139343.3(BIN1):c.313G>A (p.Glu105Lys)

Gene: BIN1 (bridging integrator 1; minus strand). Cytogenetic location: 2q14.3.
Variant type: single nucleotide variant.
Coding change: c.313G>A on transcript NM_139343.3 (MANE Select); coding-DNA position 313, G replaced by A.
Protein change: p.Glu105Lys; replaces glutamic acid 105 with lysine.
Molecular consequence: missense variant.
Genome position (GRCh38, 1-based): chr2:127,070,555, C>T on the plus strand (G>A on the coding strand, the complement: BIN1 is on the minus strand). VCF-style: chr2-127070555-C-T. GRCh37 (hg19) VCF-style: chr2-127828131-C-T.
Other names: c.313G>A, p.Glu105Lys (NM_001320632.2, NM_001320633.2, NM_001320640.2 and 10 more transcripts); c.241G>A, p.Glu81Lys (NM_001320634.1); c.232G>A, p.Glu78Lys (NM_001320642.1); short protein forms E105K, E78K, E81K.
Identifiers: ClinVar variation 944655 (VCV000944655.9), dbSNP rs1685745258, ClinGen allele CA348369308.